The following is an entry in ClinVar:

NM_001384732.1(CPLANE1):c.7950G>T (p.Glu2650Asp)

Gene: CPLANE1 (ciliogenesis and planar polarity effector complex subunit 1; minus strand). Cytogenetic location: 5p13.2.
Variant type: single nucleotide variant.
Coding change: c.7950G>T on transcript NM_001384732.1 (MANE Select); coding-DNA position 7950, G replaced by T.
Protein change: p.Glu2650Asp; replaces glutamic acid 2650 with aspartic acid.
Molecular consequence: missense variant.
Genome position (GRCh38, 1-based): chr5:37,157,731, C>A on the plus strand (G>T on the coding strand, the complement: CPLANE1 is on the minus strand). VCF-style: chr5-37157731-C-A. GRCh37 (hg19) VCF-style: chr5-37157833-C-A.
Other names: c.7896G>T, p.Glu2632Asp (NM_023073.4); short protein forms E2632D, E2650D.
Identifiers: ClinVar variation 3682518 (VCV003682518.1).

ClinVar aggregate classification (germline): Uncertain significance (1 of 4 stars; one submission).

Submission:

Labcorp Genetics (formerly Invitae), Labcorp
Classification: Uncertain significance. Last evaluated: 2025-01-21. Review status: criteria provided, single submitter. Criteria: Invitae Variant Classification Sherloc (09022015). Collection method: clinical testing. Allele origin: germline.
Comment: This sequence change replaces glutamic acid, which is acidic and polar, with aspartic acid, which is acidic and polar, at codon 2632 of the CPLANE1 protein (p.Glu2632Asp). This variant is not present in population databases (gnomAD no frequency). This variant has not been reported in the literature in individuals affected with CPLANE1-related conditions. Invitae Evidence Modeling of protein sequence and biophysical properties (such as structural, functional, and spatial information, amino acid conservation, physicochemical variation, residue mobility, and thermodynamic stability) indicates that this missense variant is not expected to disrupt CPLANE1 protein function with a negative predictive value of 95%. In summary, the available evidence is currently insufficient to determine the role of this variant in disease. Therefore, it has been classified as a Variant of Uncertain Significance.